The following is an entry in ClinVar:

ClinVar aggregate classification (germline): Conflicting classifications of pathogenicity. Review status: criteria provided, conflicting classifications (1 of 4 stars). 3 submissions from 3 submitters: Uncertain significance (2); Likely benign (1). Last evaluated 2024-10-24.

Conditions:
Inborn genetic diseases. Identifiers: MedGen C0950123, MeSH D030342.
Developmental and epileptic encephalopathy, 8 (DEE8). Also called: HYPEREKPLEXIA AND EPILEPSY. Identifiers: Orphanet 163985, Orphanet 2076, MedGen C1845102, MONDO:0010375, OMIM 300607.

Allele frequency attached by ClinVar (database versions not stated): gnomAD exomes 0.00001 and 0.00002; ExAC 0.00002; TOPMed 0.00002.
gnomAD v4.1: 6 of 1,206,464 alleles (0.0005%); highest among the groups gnomAD compares: South Asian, 0.0018%; no homozygotes.

Submissions (3):

Labcorp Genetics (formerly Invitae), Labcorp
Classification: Likely benign for Developmental and epileptic encephalopathy, 8. Last evaluated: 2024-10-24. Review status: criteria provided, single submitter. Criteria: Invitae Variant Classification Sherloc (09022015). Collection method: clinical testing. Allele origin: germline.

GeneDx
Classification: Uncertain significance. Last evaluated: 2019-06-11. Review status: criteria provided, single submitter. Criteria: GeneDx Variant Classification Process June 2021. Collection method: clinical testing. Allele origin: germline. Affected: yes.
Comment: In silico analysis, which includes protein predictors and evolutionary conservation, supports a deleterious effect; Has not been previously published as pathogenic or benign to our knowledge

Ambry Genetics
Classification: Uncertain significance for Inborn genetic diseases. Last evaluated: 2018-07-19. Review status: criteria provided, single submitter. Criteria: Ambry Variant Classification Scheme 2023. Collection method: clinical testing. Allele origin: germline.
Comment: The p.R95Q variant (also known as c.284G>A), located in coding exon 3 of the ARHGEF9 gene, results from a G to A substitution at nucleotide position 284. The arginine at codon 95 is replaced by glutamine, an amino acid with highly similar properties. This amino acid position is not well conserved in available vertebrate species. In addition, this alteration is predicted to be tolerated by in silico analysis. Since supporting evidence is limited at this time, the clinical significance of this alteration remains unclear.

NM_001353921.2(ARHGEF9):c.305G>A (p.Arg102Gln)

Gene: ARHGEF9 (Cdc42 guanine nucleotide exchange factor 9; minus strand). Cytogenetic location: Xq11.1.
Variant type: single nucleotide variant.
Coding change: c.305G>A on transcript NM_001353921.2 (MANE Select); coding-DNA position 305, G replaced by A.
Protein change: p.Arg102Gln; replaces arginine 102 with glutamine.
Molecular consequence: missense variant. On other transcripts: 5 prime UTR variant (3).
Genome position (GRCh38, 1-based): chrX:63,706,355, C>T on the plus strand (G>A on the coding strand, the complement: ARHGEF9 is on the minus strand). VCF-style: chrX-63706355-C-T. GRCh37 (hg19) VCF-style: chrX-62926235-C-T.
Other names: c.125G>A, p.Arg42Gln (NM_001173479.2); c.-23G>A (NM_001173480.2, NM_001369042.1); c.221G>A, p.Arg74Gln (NM_001330495.2, NM_001353927.2, NM_001369033.1 and 8 more transcripts); c.305G>A, p.Arg102Gln (NM_001353922.2); c.323G>A, p.Arg108Gln (NM_001353923.1); c.104G>A, p.Arg35Gln (NM_001353924.2, NM_001353926.2, NM_001369039.1 and 1 more transcripts); c.284G>A, p.Arg95Gln (NM_001353928.2, NM_001369030.1, NM_001369031.1 and 2 more transcripts); c.-399G>A (NM_001369045.1); short protein forms R102Q, R108Q, R35Q, R42Q, R74Q, R95Q.
Identifiers: ClinVar variation 1306056 (VCV001306056.8), dbSNP rs782087438, ClinGen allele CA10431967.